The following is an entry in ClinVar:

ClinVar aggregate classification (germline): Uncertain significance (1 of 4 stars; one submission).

Conditions:
Possible mitochondrial disorder - nuclear genes.

Submission:

Genetics Laboratory, Great Ormond Street Hospital NHS Foundation Trust, North Thames Genomic Laboratory Hub
Classification: Uncertain significance for Possible mitochondrial disorder - nuclear genes. Last evaluated: 2026-05-27. Review status: criteria provided, single submitter. Criteria: ACGS Best Practice Guidelines for Variant Classification in Rare Disease 2024 v1.2. Collection method: clinical testing. Allele origin: germline. Affected: yes.
Comment: PVS1_very-strong

NM_001277062.2(MFF):c.-40-842_-40-841insGTGAGCAGGGCAGCATT

Gene: MFF (mitochondrial fission factor; plus strand). Cytogenetic location: 2q36.3.
Variant type: Insertion.
Coding change: c.-40-842_-40-841insGTGAGCAGGGCAGCATT on transcript NM_001277062.2 (MANE Select); 842 bases into the intron before 40 bases upstream of the start codon through 841 bases into the intron before 40 bases upstream of the start codon, GTGAGCAGGGCAGCATT inserted.
Molecular consequence: intron variant. On other transcripts: splice donor variant (3).
Genome position: GRCh38 VCF-style: chr2-227329784-G-GGTGAGCAGGGCAGCATT. GRCh37 (hg19) VCF-style: chr2-228194500-G-GGTGAGCAGGGCAGCATT.
Other names: c.38+1_38+2insGTGAGCAGGGCAGCATT (NM_001277061.2, NM_020194.5); c.-40-842_-40-841insGTGAGCAGGGCAGCATT (NM_001277063.2, NM_001277064.2, NM_001277065.2 and 2 more transcripts); c.-36+1_-36+2insGTGAGCAGGGCAGCATT (NM_001277067.1).
Identifiers: ClinVar variation 4876237 (VCV004876237.1).